The following is an entry in ClinVar:

NM_001385875.1(ZFYVE27):c.1159A>C (p.Met387Leu)

Gene: ZFYVE27 (zinc finger FYVE-type containing 27; plus strand). Cytogenetic location: 10q24.2.
Variant type: single nucleotide variant.
Coding change: c.1159A>C on transcript NM_001385875.1 (MANE Select); coding-DNA position 1159, A replaced by C.
Protein change: p.Met387Leu; replaces methionine 387 with leucine.
Molecular consequence: missense variant. On other transcripts: non-coding transcript variant (17).
Genome position (GRCh38, 1-based): chr10:97,757,711, A>C. VCF-style: chr10-97757711-A-C. GRCh37 (hg19) VCF-style: chr10-99517468-A-C.
Other names: c.1174A>C, p.Met392Leu (NM_001002261.4, NM_001385871.1); c.1138A>C, p.Met380Leu (NM_001002262.4, NM_001385880.1, NM_001385881.1 and 2 more transcripts); c.1042A>C, p.Met348Leu (NM_001174119.2, NM_001385889.1); c.880A>C, p.Met294Leu (NM_001174120.2); c.859A>C, p.Met287Leu (NM_001174121.2, NM_001385915.1); c.784A>C, p.Met262Leu (NM_001174122.2); c.1192A>C, p.Met398Leu (NM_001385876.1); c.1156A>C, p.Met386Leu (NM_001385877.1); and 14 more; short protein forms M262L, M387L, M287L, M294L, M392L, M348L, M380L, M169L.
Identifiers: ClinVar variation 653918 (VCV000653918.10), dbSNP rs1590113165, ClinGen allele CA377998741.

ClinVar aggregate classification (germline): Uncertain significance (1 of 4 stars; one submission).

Conditions:
Spastic paraplegia. Identifiers: MedGen C0037772, HP:0001258.

Submission:

Labcorp Genetics (formerly Invitae), Labcorp
Classification: Uncertain significance for Spastic paraplegia. Last evaluated: 2019-07-09. Review status: criteria provided, single submitter. Criteria: Invitae Variant Classification Sherloc (09022015). Collection method: clinical testing. Allele origin: germline.
Comment: This sequence change replaces methionine with leucine at codon 392 of the ZFYVE27 protein (p.Met392Leu). The methionine residue is highly conserved and there is a small physicochemical difference between methionine and leucine. This variant is not present in population databases (ExAC no frequency). This variant has not been reported in the literature in individuals with ZFYVE27-related conditions. Algorithms developed to predict the effect of missense changes on protein structure and function are either unavailable or do not agree on the potential impact of this missense change (SIFT: "Deleterious"; PolyPhen-2: "Benign"; Align-GVGD: "Class C0"). In summary, the available evidence is currently insufficient to determine the role of this variant in disease. Therefore, it has been classified as a Variant of Uncertain Significance.